The following is an entry in ClinVar:

NM_000322.5(PRPH2):c.701A>G (p.Tyr234Cys)

Gene: PRPH2 (peripherin 2; minus strand). Cytogenetic location: 6p21.1.
Variant type: single nucleotide variant.
Coding change: c.701A>G on transcript NM_000322.5 (MANE Select); coding-DNA position 701, A replaced by G.
Protein change: p.Tyr234Cys; replaces tyrosine 234 with cysteine.
Molecular consequence: missense variant.
Genome position (GRCh38, 1-based): chr6:42,704,492, T>C on the plus strand (A>G on the coding strand, the complement: PRPH2 is on the minus strand). VCF-style: chr6-42704492-T-C. GRCh37 (hg19) VCF-style: chr6-42672230-T-C.
Other names: short protein forms Y234C.
Identifiers: ClinVar variation 2801985 (VCV002801985.3), dbSNP rs929419025, ClinGen allele CA138171573.

ClinVar aggregate classification (germline): Uncertain significance (1 of 4 stars; one submission).

Conditions:
PRPH2-related disorder. Also called: PRPH2-related disorders; PRPH2-related condition. Identifiers: MedGen CN239395.

Allele frequency attached by ClinVar (database versions not stated): gnomAD 0.00001; TOPMed 0.00001.
gnomAD v4.1: 1 of 1,613,984 alleles (0.000062%); highest among the groups gnomAD compares: Non-Finnish European, 0.000085%; no homozygotes.

Submission:

Labcorp Genetics (formerly Invitae), Labcorp
Classification: Uncertain significance for PRPH2-related disorder. Last evaluated: 2025-03-17. Review status: criteria provided, single submitter. Criteria: Invitae Variant Classification Sherloc (09022015). Collection method: clinical testing. Allele origin: germline.
Comment: This sequence change replaces tyrosine, which is neutral and polar, with cysteine, which is neutral and slightly polar, at codon 234 of the PRPH2 protein (p.Tyr234Cys). This variant is not present in population databases (gnomAD no frequency). This variant has not been reported in the literature in individuals affected with PRPH2-related conditions. ClinVar contains an entry for this variant (Variation ID: 2801985). Invitae Evidence Modeling of protein sequence and biophysical properties (such as structural, functional, and spatial information, amino acid conservation, physicochemical variation, residue mobility, and thermodynamic stability) indicates that this missense variant is expected to disrupt PRPH2 protein function with a positive predictive value of 95%. In summary, the available evidence is currently insufficient to determine the role of this variant in disease. Therefore, it has been classified as a Variant of Uncertain Significance.